The following is an entry in ClinVar:

ClinVar aggregate classification (germline): Benign. Review status: criteria provided, multiple submitters, no conflicts (2 of 4 stars). 2 submissions from 2 submitters: Benign (2). Last evaluated 2026-01-24.

Allele frequency attached by ClinVar (database versions not stated): ExAC 0.00076; gnomAD 0.00219 and 0.00230; ESP Exome Variant Server 0.00239; gnomAD exomes 0.00047; TOPMed 0.00243; 1000 Genomes Project 0.00319; 1000 Genomes Project 30x 0.00328.
gnomAD v4.1: 608 of 1,365,274 alleles (0.045%); highest among the groups gnomAD compares: African/African-American, 0.84%; 3 homozygotes.

Submissions (2):

Labcorp Genetics (formerly Invitae), Labcorp
Classification: Benign. Last evaluated: 2026-01-24. Review status: criteria provided, single submitter. Criteria: Invitae Variant Classification Sherloc (09022015). Collection method: clinical testing. Allele origin: germline.

GeneDx
Classification: Benign. Last evaluated: 2015-06-08. Review status: criteria provided, single submitter. Criteria: GeneDx Variant Classification (06012015). Collection method: clinical testing. Allele origin: germline. Affected: yes.
Comment: This variant is considered likely benign or benign based on one or more of the following criteria: it is a conservative change, it occurs at a poorly conserved position in the protein, it is predicted to be benign by multiple in silico algorithms, and/or has population frequency not consistent with disease.

NM_020117.11(LARS1):c.595-19T>C

Gene: LARS1 (leucyl-tRNA synthetase 1; minus strand). Cytogenetic location: 5q32.
Variant type: single nucleotide variant.
Coding change: c.595-19T>C on transcript NM_020117.11 (MANE Select); 19 bases into the intron before coding-DNA position 595, T replaced by C.
Molecular consequence: intron variant.
Genome position (GRCh38, 1-based): chr5:146,160,505, A>G on the plus strand (T>C on the coding strand, the complement: LARS1 is on the minus strand). VCF-style: chr5-146160505-A-G. GRCh37 (hg19) VCF-style: chr5-145540068-A-G.
Other names: c.433-19T>C (NM_001317965.2); c.514-19T>C (NM_016460.4); c.457-19T>C (NM_001317964.2).
Identifiers: ClinVar variation 378073 (VCV000378073.6), dbSNP rs144307734, ClinGen allele CA3489896.
Genomic context (GRCh38, chr5:146,160,505, plus strand): 5'-AGGATTAACATCAGTGGTGATGAAGGAACGACGCCAGTCTACCTATAAAAGGAAAATTTT[A>G]AAAGGCAATTACTGAGAAATACACAAATTTTGTTTAAATAAGAATTCCTATGAATCAATT-3'